The following is an entry in ClinVar:

NM_173354.5(SIK1):c.1257_1258delinsTG (p.Pro420Ala)

Gene: SIK1 (salt inducible kinase 1; minus strand). Cytogenetic location: 21q22.3.
Variant type: Indel.
Coding change: c.1257_1258delinsTG on transcript NM_173354.5 (MANE Select); coding-DNA positions 1257 to 1258, CC replaced by TG.
Protein change: p.Pro420Ala; replaces proline 420 with alanine.
Molecular consequence: missense variant.
Genome position (GRCh38, 1-based): chr21:43,419,225-43,419,226, GG replaced by CA on the plus strand (CC replaced by TG on the coding strand, the reverse complement: SIK1 is on the minus strand). VCF-style: chr21-43419225-GG-CA. GRCh37 (hg19) VCF-style: chr21-44839105-GG-CA.
Other names: short protein forms P420A.
Identifiers: ClinVar variation 1945030 (VCV001945030.5), dbSNP rs2516965934, ClinGen allele CA2580098824.

ClinVar aggregate classification (germline): Uncertain significance (1 of 4 stars; one submission).

Conditions:
Developmental and epileptic encephalopathy, 30 (DEE30). Also called: Epileptic encephalopathy, early infantile, 30. Identifiers: MedGen C4225360, MONDO:0014595, OMIM 616341.

Submission:

Labcorp Genetics (formerly Invitae), Labcorp
Classification: Uncertain significance for Developmental and epileptic encephalopathy, 30. Last evaluated: 2022-07-12. Review status: criteria provided, single submitter. Criteria: Invitae Variant Classification Sherloc (09022015). Collection method: clinical testing. Allele origin: germline.
Comment: This sequence change replaces proline, which is neutral and non-polar, with alanine, which is neutral and non-polar, at codon 420 of the SIK1 protein (p.Pro420Ala). Information on the frequency of this variant in the gnomAD database is not available, as this variant may be reported differently in the database. This variant has not been reported in the literature in individuals affected with SIK1-related conditions. Experimental studies and prediction algorithms are not available or were not evaluated, and the functional significance of this variant is currently unknown. In summary, the available evidence is currently insufficient to determine the role of this variant in disease. Therefore, it has been classified as a Variant of Uncertain Significance.